The following is an entry in ClinVar:

ClinVar aggregate classification (germline): Conflicting classifications of pathogenicity. Review status: criteria provided, conflicting classifications (1 of 4 stars). 4 submissions from 4 submitters: Uncertain significance (1); Likely benign (2). 1 of the submissions does not count toward it. Last evaluated 2026-01-05.

Conditions:
XYLT1-related disorder. Also called: XYLT1-related condition.
Desbuquois dysplasia 1 (DBQD1). Also called: DESBUQUOIS DYSPLASIA 1, KIM VARIANT; MICROMELIC DWARFISM WITH VERTEBRAL AND METAPHYSEAL ABNORMALITIES AND ADVANCED CARPOTARSAL OSSIFICATION. Identifiers: Orphanet 1425, MedGen C4012146, MONDO:0009629, OMIM 251450.

Allele frequency attached by ClinVar (database versions not stated): 1000 Genomes Project 30x 0.00016; TOPMed 0.00071; gnomAD 0.00092 and 0.00093; gnomAD exomes 0.00119 and 0.00142; ExAC 0.00830.

Submissions (4):

Labcorp Genetics (formerly Invitae), Labcorp
Classification: Likely benign for Desbuquois dysplasia 1. Last evaluated: 2026-01-05. Review status: criteria provided, single submitter. Criteria: Invitae Variant Classification Sherloc (09022015). Collection method: clinical testing. Allele origin: germline.

Blueprint Genetics
Classification: Likely benign. Last evaluated: 2024-11-25. Review status: criteria provided, single submitter. Criteria: ACMG Guidelines, 2015. Collection method: clinical testing. Allele origin: germline.

GeneDx
Classification: Uncertain significance. Last evaluated: 2019-07-24. Review status: criteria provided, single submitter. Criteria: GeneDx Variant Classification Process June 2021. Collection method: clinical testing. Allele origin: germline. Affected: yes.
Comment: In silico analysis, which includes protein predictors and evolutionary conservation, supports that this variant does not alter protein structure/function; In silico analysis, which includes splice predictors and evolutionary conservation, suggests this variant may impact gene splicing. In the absence of RNA/functional studies, the actual effect of this sequence change is unknown.; Has not been previously published as pathogenic or benign to our knowledge

PreventionGenetics, part of Exact Sciences
Classification: Likely benign for XYLT1-related condition. Last evaluated: 2022-05-23. Review status: no assertion criteria provided. Collection method: clinical testing. Allele origin: germline. Not counted in ClinVar's aggregate classification.
Comment: This variant is classified as likely benign based on ACMG/AMP sequence variant interpretation guidelines (Richards et al. 2015 PMID: 25741868, with internal and published modifications).

NM_022166.4(XYLT1):c.154G>A (p.Gly52Ser)

Gene: XYLT1 (xylosyltransferase 1; minus strand). Cytogenetic location: 16p12.3.
Variant type: single nucleotide variant.
Coding change: c.154G>A on transcript NM_022166.4 (MANE Select); coding-DNA position 154, G replaced by A.
Protein change: p.Gly52Ser; replaces glycine 52 with serine.
Molecular consequence: missense variant.
Genome position (GRCh38, 1-based): chr16:17,470,643, C>T on the plus strand (G>A on the coding strand, the complement: XYLT1 is on the minus strand). VCF-style: chr16-17470643-C-T. GRCh37 (hg19) VCF-style: chr16-17564500-C-T.
Other names: short protein forms G52S.
Identifiers: ClinVar variation 577084 (VCV000577084.16), dbSNP rs766521030, ClinGen allele CA7928287.